The following is an entry in ClinVar:

ClinVar aggregate classification (germline): Uncertain significance. Review status: criteria provided, multiple submitters, no conflicts (2 of 4 stars). 2 submissions from 2 submitters: Uncertain significance (2). Last evaluated 2025-12-22.

Conditions:
Cardiovascular phenotype. Identifiers: MedGen CN230736.
Long QT syndrome 10 (LQT10). Identifiers: Orphanet 101016, Orphanet 768, MedGen C2678484, MONDO:0012737, OMIM 611819.

Allele frequency attached by ClinVar (database versions not stated): gnomAD exomes 0.00001; TOPMed below 0.00001; ExAC 0.00001.
gnomAD v4.1: 20 of 1,612,580 alleles (0.0012%); highest among the groups gnomAD compares: East Asian, 0.0022%; no homozygotes.

Submissions (2):

Ambry Genetics
Classification: Uncertain significance for Cardiovascular phenotype. Last evaluated: 2025-12-22. Review status: criteria provided, single submitter. Criteria: Ambry Variant Classification Scheme 2023. Collection method: clinical testing. Allele origin: germline.
Comment: The p.V170M variant (also known as c.508G>A), located in coding exon 4 of the SCN4B gene, results from a G to A substitution at nucleotide position 508. The valine at codon 170 is replaced by methionine, an amino acid with highly similar properties. This amino acid position is well conserved in available vertebrate species. In addition, the in silico prediction for this alteration is inconclusive. The evidence for this gene-disease relationship is limited; therefore, the clinical significance of this alteration is unclear.

Labcorp Genetics (formerly Invitae), Labcorp
Classification: Uncertain significance for Long QT syndrome 10. Last evaluated: 2025-02-16. Review status: criteria provided, single submitter. Criteria: Invitae Variant Classification Sherloc (09022015). Collection method: clinical testing. Allele origin: germline.
Comment: This sequence change replaces valine, which is neutral and non-polar, with methionine, which is neutral and non-polar, at codon 170 of the SCN4B protein (p.Val170Met). This variant is present in population databases (rs774739091, gnomAD 0.01%). This variant has not been reported in the literature in individuals affected with SCN4B-related conditions. ClinVar contains an entry for this variant (Variation ID: 1745261). An algorithm developed to predict the effect of missense changes on protein structure and function (PolyPhen-2) suggests that this variant is likely to be disruptive. In summary, the available evidence is currently insufficient to determine the role of this variant in disease. Therefore, it has been classified as a Variant of Uncertain Significance.

NM_174934.4(SCN4B):c.508G>A (p.Val170Met)

Gene: SCN4B (sodium voltage-gated channel beta subunit 4; minus strand). Cytogenetic location: 11q23.3.
Variant type: single nucleotide variant.
Coding change: c.508G>A on transcript NM_174934.4 (MANE Select); coding-DNA position 508, G replaced by A.
Protein change: p.Val170Met; replaces valine 170 with methionine.
Molecular consequence: missense variant. On other transcripts: non-coding transcript variant (1).
Genome position (GRCh38, 1-based): chr11:118,141,292, C>T on the plus strand (G>A on the coding strand, the complement: SCN4B is on the minus strand). VCF-style: chr11-118141292-C-T. GRCh37 (hg19) VCF-style: chr11-118012007-C-T.
Other names: c.106G>A, p.Val36Met (NM_001142348.2); c.178G>A, p.Val60Met (NM_001142349.2); short protein forms V60M, V170M, V36M.
Identifiers: ClinVar variation 1745261 (VCV001745261.6), dbSNP rs774739091, ClinGen allele CA6300180.